The following is an entry in ClinVar:

NM_001384900.1(SEMA3D):c.794G>A (p.Arg265His)

Gene: SEMA3D (semaphorin 3D; minus strand). Cytogenetic location: 7q21.11.
Variant type: single nucleotide variant.
Coding change: c.794G>A on transcript NM_001384900.1 (MANE Select); coding-DNA position 794, G replaced by A.
Protein change: p.Arg265His; replaces arginine 265 with histidine.
Molecular consequence: missense variant.
Genome position (GRCh38, 1-based): chr7:85,055,784, C>T on the plus strand (G>A on the coding strand, the complement: SEMA3D is on the minus strand). VCF-style: chr7-85055784-C-T. GRCh37 (hg19) VCF-style: chr7-84685100-C-T.
Other names: c.794G>A, p.Arg265His (NM_001384901.1, NM_001384902.1, NM_001384903.1 and 1 more transcripts); short protein forms R265H.
Identifiers: ClinVar variation 3345286 (VCV003345286.1).
Genomic context (GRCh38, chr7:85,055,784, plus strand): 5'-ACTCTTCCAACTCGAGAAAGGATGGTTTTATCGGAGGTACTGCCTTCTTGAGATGATTCA[C>T]GAAAGAAGAAATATATTTTATCATCATCTGGATTGTAGGTGTCTGGTATGAAGAAAGTTC-3'
Protein context (NP_001371829.1, residues 255-275): PDDDKIYFFF[Arg265His]ESSQEGSTSD

ClinVar aggregate classification (germline): Uncertain significance (0 of 4 stars; one submission).

Conditions:
SEMA3D-related disorder. Also called: SEMA3D-related condition.

gnomAD v4.1: 46 of 1,573,630 alleles (0.0029%); highest among the groups gnomAD compares: Middle Eastern, 0.05%; no homozygotes.

Submission:

PreventionGenetics, part of Exact Sciences
Classification: Uncertain significance for SEMA3D-related condition. Last evaluated: 2024-05-22. Review status: no assertion criteria provided. Collection method: clinical testing. Allele origin: germline.
Comment: The SEMA3D c.794G>A variant is predicted to result in the amino acid substitution p.Arg265His. This variant has been reported in an obese individual and functional studies found this variant results in reduced cellular collapse; however, the significance of this finding is uncertain (van der Klaauw et al. 2019. PubMed ID: 30661757). This variant is reported in 0.017% of alleles in individuals of South Asian descent in gnomAD. At this time, the clinical significance of this variant is uncertain due to the absence of conclusive functional and genetic evidence.